The following is an entry in ClinVar:

ClinVar aggregate classification (germline): Pathogenic (1 of 4 stars; one submission).

Conditions:
Hermansky-Pudlak syndrome 2 (HPS2). Also called: Platelet defects and oculocutaneous albinism. Identifiers: Orphanet 183678, Orphanet 79430, MedGen C1842362, MONDO:0011997, OMIM 608233.

Allele frequency attached by ClinVar (database versions not stated): gnomAD exomes below 0.00001.

Submission:

Labcorp Genetics (formerly Invitae), Labcorp
Classification: Pathogenic for Hermansky-Pudlak syndrome 2. Last evaluated: 2024-04-22. Review status: criteria provided, single submitter. Criteria: Invitae Variant Classification Sherloc (09022015). Collection method: clinical testing. Allele origin: germline.
Comment: This sequence change creates a premature translational stop signal (p.Ile919Metfs*8) in the AP3B1 gene. It is expected to result in an absent or disrupted protein product. Loss-of-function variants in AP3B1 are known to be pathogenic (PMID: 16507770, 23403622). This variant is not present in population databases (gnomAD no frequency). This premature translational stop signal has been observed in individual(s) with suspected inherited bone marrow failure syndromes (PMID: 33718801). ClinVar contains an entry for this variant (Variation ID: 1451475). For these reasons, this variant has been classified as Pathogenic.

Literature cited by the submitters: PubMed 16507770; PubMed 23403622; PubMed 33718801.

NM_003664.5(AP3B1):c.2757del (p.Ile919fs)

Gene: AP3B1 (adaptor related protein complex 3 subunit beta 1; minus strand). Cytogenetic location: 5q14.1.
Variant type: Deletion.
Coding change: c.2757del on transcript NM_003664.5 (MANE Select); coding-DNA position 2757, one base deleted (A; older notation c.2757delA).
Protein change: p.Ile919fs; shifts the reading frame from isoleucine 919.
Molecular consequence: frameshift variant.
Genome position (GRCh38, 1-based): chr5:78,039,095, T deleted on the plus strand (A on the coding strand, the reverse complement: AP3B1 is on the minus strand). VCF-style (leftmost placement, unchanged base first): chr5-78039094-CT-C. GRCh37 (hg19) VCF-style: chr5-77334918-CT-C.
Other names: c.2610del, p.Ile870fs (NM_001271769.2); short protein forms I870fs, I919fs.
Identifiers: ClinVar variation 1451475 (VCV001451475.6), dbSNP rs2112100189, ClinGen allele CA2573139961.
Genomic context (GRCh38, chr5:78,039,094, plus strand): 5'-AATATTTACCTATTGGATTAAAAACATGCATTTTCATGCCTATAGGAAGTTTTTTTTCCC[CT>C]ATGTGGATATTTTCTATCTTTCGATCAGTAGTGTTATTCAGTGTTATTTGTATAGAGACC-3'